The following is an entry in ClinVar:

ClinVar aggregate classification (germline): Benign (1 of 4 stars; one submission).

Conditions:
Oligodontia-cancer predisposition syndrome. Also called: TOOTH AGENESIS-COLORECTAL CANCER SYNDROME. Identifiers: Orphanet 300576, MedGen C1837750, MONDO:0012075, OMIM 608615. Disease mechanism: loss of function.

Submission:

Myriad Genetics, Inc.
Classification: Benign for Oligodontia-cancer predisposition syndrome. Last evaluated: 2024-07-09. Review status: criteria provided, single submitter. Criteria: Myriad Autosomal Dominant, Autosomal Recessive and X-Linked Classification Criteria (2023). Collection method: clinical testing. Allele origin: unknown.
Comment: This variant is considered benign. This variant is a silent/synonymous amino acid change and it is not expected to impact splicing.

NM_004655.4(AXIN2):c.2112A>C (p.Leu704=)

Gene: AXIN2 (axin 2; minus strand). Cytogenetic location: 17q24.1.
Variant type: single nucleotide variant.
Coding change: c.2112A>C on transcript NM_004655.4 (MANE Select); coding-DNA position 2112, A replaced by C.
Protein change: p.Leu704=; no amino-acid change (leucine 704 retained).
Molecular consequence: synonymous variant.
Genome position (GRCh38, 1-based): chr17:65,536,349, T>G on the plus strand (A>C on the coding strand, the complement: AXIN2 is on the minus strand). VCF-style: chr17-65536349-T-G. GRCh37 (hg19) VCF-style: chr17-63532467-T-G.
Other names: c.1917A>C, p.Leu639= (NM_001363813.1).
Identifiers: ClinVar variation 3378972 (VCV003378972.1).